The following is an entry in ClinVar:

ClinVar aggregate classification (germline): Uncertain significance. Review status: criteria provided, multiple submitters, no conflicts (2 of 4 stars). 2 submissions from 2 submitters: Uncertain significance (2). Last evaluated 2024-02-21.

Conditions:
Benign neonatal seizures. Also called: Benign familial neonatal seizures; Convulsions benign familial neonatal dominant form; Autosomal dominant form of benign neonatal seizures; Benign neonatal familial convulsions; Benign familial neonatal epilepsy. Identifiers: Orphanet 1949, MedGen C0220669, MONDO:0016027.

Allele frequency attached by ClinVar (database versions not stated): TOPMed below 0.00001; gnomAD 0.00001.
gnomAD v4.1: 1 of 1,613,920 alleles (0.000062%); highest among the groups gnomAD compares: Non-Finnish European, 0.000085%; no homozygotes.

Submissions (2):

Labcorp Genetics (formerly Invitae), Labcorp
Classification: Uncertain significance for Benign neonatal seizures. Last evaluated: 2024-02-21. Review status: criteria provided, single submitter. Criteria: Invitae Variant Classification Sherloc (09022015). Collection method: clinical testing. Allele origin: germline.
Comment: This sequence change replaces serine, which is neutral and polar, with arginine, which is basic and polar, at codon 486 of the KCNQ3 protein (p.Ser486Arg). This variant is not present in population databases (gnomAD no frequency). This variant has not been reported in the literature in individuals affected with KCNQ3-related conditions. ClinVar contains an entry for this variant (Variation ID: 285490). Advanced modeling of protein sequence and biophysical properties (such as structural, functional, and spatial information, amino acid conservation, physicochemical variation, residue mobility, and thermodynamic stability) performed at Invitae indicates that this missense variant is not expected to disrupt KCNQ3 protein function with a negative predictive value of 80%. In summary, the available evidence is currently insufficient to determine the role of this variant in disease. Therefore, it has been classified as a Variant of Uncertain Significance.

Eurofins Ntd Llc (ga)
Classification: Uncertain significance. Last evaluated: 2016-01-26. Review status: criteria provided, single submitter. Criteria: EGL Classification Definitions 2015. Collection method: clinical testing. Allele origin: germline. Observed: 1 variant allele, 1 heterozygote.

NM_004519.4(KCNQ3):c.1458T>A (p.Ser486Arg)

Gene: KCNQ3 (potassium voltage-gated channel subfamily Q member 3; minus strand). Cytogenetic location: 8q24.22.
Variant type: single nucleotide variant.
Coding change: c.1458T>A on transcript NM_004519.4 (MANE Select); coding-DNA position 1458, T replaced by A.
Protein change: p.Ser486Arg; replaces serine 486 with arginine.
Molecular consequence: missense variant.
Genome position (GRCh38, 1-based): chr8:132,141,136, A>T on the plus strand (T>A on the coding strand, the complement: KCNQ3 is on the minus strand). VCF-style: chr8-132141136-A-T. GRCh37 (hg19) VCF-style: chr8-133153383-A-T.
Other names: c.1098T>A, p.Ser366Arg (NM_001204824.2); short protein forms S486R, S366R.
Identifiers: ClinVar variation 285490 (VCV000285490.9), dbSNP rs886043116, ClinGen allele CA10605128.